The following is an entry in ClinVar:

NM_000548.5(TSC2):c.649-15C>T

Gene: TSC2 (TSC complex subunit 2; plus strand). Cytogenetic location: 16p13.3.
Variant type: single nucleotide variant.
Coding change: c.649-15C>T on transcript NM_000548.5 (MANE Select); 15 bases into the intron before coding-DNA position 649, C replaced by T.
Molecular consequence: intron variant.
Genome position (GRCh38, 1-based): chr16:2,056,629, C>T. VCF-style: chr16-2056629-C-T. GRCh37 (hg19) VCF-style: chr16-2106630-C-T.
Other names: c.49-15C>T (NM_001406680.1, NM_001406683.1, NM_001406687.1 and 6 more transcripts); c.-783-15C>T (NM_001406689.1, NM_001406690.1, NM_001406692.1 and 3 more transcripts); c.-959-15C>T (NM_001406698.1); c.649-15C>T (NM_001114382.3, NM_001406663.1, NM_001406664.1 and 6 more transcripts); c.-664-15C>T (NM_001406694.1, NM_001406695.1); c.-771-27C>T (NM_001406696.1); c.649-27C>T (NM_001406671.1, NM_001406673.1); c.187-15C>T (NM_001406681.1); and 5 more.
Identifiers: ClinVar variation 4071273 (VCV004071273.2).

ClinVar aggregate classification (germline): Likely benign. Review status: criteria provided, multiple submitters, no conflicts (2 of 4 stars). 2 submissions from 2 submitters: Likely benign (2). Last evaluated 2025-06-23.

Conditions:
Tuberous sclerosis syndrome (TSC). Also called: Tuberous Sclerosis Complex; Tuberous sclerosis. Identifiers: Orphanet 805, MedGen C0041341, MONDO:0001734.
Tuberous sclerosis 2 (TSC2). Identifiers: Orphanet 805, MedGen C1860707, MONDO:0013199, OMIM 613254.

gnomAD v4.1: 1 of 1,608,378 alleles (0.000062%); highest among the groups gnomAD compares: Non-Finnish European, 0.000085%; no homozygotes.

Submissions (2):

Color Diagnostics, LLC DBA Color Health
Classification: Likely benign for Tuberous sclerosis syndrome. Last evaluated: 2025-06-23. Review status: criteria provided, single submitter. Criteria: ACMG Guidelines, 2015. Collection method: clinical testing. Allele origin: germline.

Myriad Genetics, Inc.
Classification: Likely benign for Tuberous sclerosis 2. Last evaluated: 2025-05-08. Review status: criteria provided, single submitter. Criteria: Myriad Autosomal Dominant, Autosomal Recessive and X-Linked Classification Criteria (2023). Collection method: clinical testing. Allele origin: unknown.
Comment: This variant is considered likely benign. This variant is intronic and is not expected to impact mRNA splicing.